The following is an entry in ClinVar:

NM_001283009.2(RTEL1):c.3665G>A (p.Gly1222Glu)

Genes: RTEL1 (regulator of telomere elongation helicase 1; plus strand), RTEL1-TNFRSF6B (RTEL1-TNFRSF6B readthrough (NMD candidate); plus strand). Cytogenetic location: 20q13.33.
Variant type: single nucleotide variant.
Coding change: c.3665G>A on transcript NM_001283009.2 (MANE Select); coding-DNA position 3665, G replaced by A.
Protein change: p.Gly1222Glu; replaces glycine 1222 with glutamic acid.
Molecular consequence: missense variant. On other transcripts: non-coding transcript variant (1), intron variant (3).
Genome position (GRCh38, 1-based): chr20:63,695,493, G>A. VCF-style: chr20-63695493-G-A. GRCh37 (hg19) VCF-style: chr20-62326846-G-A.
Other names: c.2983+13G>A (NM_001283010.1); c.3724+13G>A (NM_032957.5); c.3652+13G>A (NM_016434.4); short protein forms G1222E.
Identifiers: ClinVar variation 2935195 (VCV002935195.3), dbSNP rs1177347580, ClinGen allele CA409686467.

ClinVar aggregate classification (germline): Uncertain significance (1 of 4 stars; one submission).

Conditions:
Dyskeratosis congenita, autosomal recessive 5 (DKCB5). Identifiers: MedGen C3554656, MONDO:0014076, OMIM 615190.
Pulmonary fibrosis and/or bone marrow failure, Telomere-related, 3. Also called: PULMONARY FIBROSIS AND/OR BONE MARROW FAILURE SYNDROME, TELOMERE-RELATED, 3. Identifiers: Orphanet 2032, MedGen C4225346, MONDO:0014613, OMIM 616373.

Submission:

Labcorp Genetics (formerly Invitae), Labcorp
Classification: Uncertain significance for Dyskeratosis congenita, autosomal recessive 5; Pulmonary fibrosis and/or bone marrow failure, Telomere-related, 3. Last evaluated: 2023-11-11. Review status: criteria provided, single submitter. Criteria: Invitae Variant Classification Sherloc (09022015). Collection method: clinical testing. Allele origin: germline.
Comment: This sequence change replaces glycine, which is neutral and non-polar, with glutamic acid, which is acidic and polar, at codon 1222 of the RTEL1 protein (p.Gly1222Glu). This variant is not present in population databases (gnomAD no frequency). This variant has not been reported in the literature in individuals affected with RTEL1-related conditions. An algorithm developed to predict the effect of missense changes on protein structure and function (PolyPhen-2) suggests that this variant is likely to be tolerated. In summary, the available evidence is currently insufficient to determine the role of this variant in disease. Therefore, it has been classified as a Variant of Uncertain Significance.